The following is an entry in ClinVar:

NM_000282.4(PCCA):c.458_459insAAATT (p.Arg154fs)

Gene: PCCA (propionyl-CoA carboxylase subunit alpha; plus strand). Cytogenetic location: 13q32.3.
Variant type: Insertion.
Coding change: c.458_459insAAATT on transcript NM_000282.4 (MANE Select); coding-DNA positions 458 to 459, AAATT inserted.
Protein change: p.Arg154fs; shifts the reading frame from arginine 154.
Molecular consequence: frameshift variant. On other transcripts: 5 prime UTR variant (3), non-coding transcript variant (5).
Genome position: GRCh38 VCF-style: chr13-100157330-C-CAAATT. GRCh37 (hg19) VCF-style: chr13-100809584-C-CAAATT.
Other names: c.380_381insAAATT, p.Arg128fs (NM_001127692.3, NM_001352607.2, NM_001352608.2); c.458_459insAAATT, p.Arg154fs (NM_001178004.2, NM_001352605.2, NM_001352606.2 and 1 more transcripts); c.-409_-408insAAATT (NM_001352610.2, NM_001352611.2, NM_001352612.2); short protein forms R128fs, R154fs.
Identifiers: ClinVar variation 1725616 (VCV001725616.2), dbSNP rs2542895562, ClinGen allele CA2580086941.

ClinVar aggregate classification (germline): Likely pathogenic (1 of 4 stars; one submission).

Conditions:
Propionic acidemia (PROP). Also called: GLYCINEMIA, KETOTIC; HYPERGLYCINEMIA WITH KETOACIDOSIS AND LEUKOPENIA; KETOTIC HYPERGLYCINEMIA. Identifiers: Orphanet 35, MedGen C0268579, MONDO:0011628, OMIM 606054, HP:0003571.

Submission:

Myriad Genetics, Inc.
Classification: Likely pathogenic for Propionic acidemia. Last evaluated: 2022-03-30. Review status: criteria provided, single submitter. Criteria: Myriad Women's Health Autosomal Recessive and X-Linked Classification Criteria (2021). Collection method: clinical testing. Allele origin: unknown.
Comment: NM_000282.3(PCCA):c.458_459ins5(R154Nfs*32) is expected to be pathogenic in the context of PCCA-related propionic acidemia. This variant is predicted to lead to an abnormal or absent protein product due to the creation of a premature termination codon in PCCA, a gene where loss-of-function variants are known to be pathogenic. Please note: this variant was assessed in the context of healthy population screening.